The following is an entry in ClinVar:

ClinVar aggregate classification (germline): Uncertain significance (1 of 4 stars; one submission).

Conditions:
Charcot-Marie-Tooth disease axonal type 2O. Also called: CHARCOT-MARIE-TOOTH NEUROPATHY, AXONAL, TYPE 2O; CHARCOT-MARIE-TOOTH DISEASE, AXONAL, AUTOSOMAL DOMINANT, TYPE 2O; Charcot-Marie-Tooth Neuropathy Type 2O; Charcot-Marie-Tooth disease, axonal, type 20. Identifiers: Orphanet 284232, MedGen C3280220, MONDO:0013644, OMIM 614228.

Allele frequency attached by ClinVar (database versions not stated): TOPMed below 0.00001; gnomAD exomes 0.00001.
gnomAD v4.1: 8 of 1,590,068 alleles (0.0005%); highest among the groups gnomAD compares: Non-Finnish European, 0.00068%; no homozygotes.

Submission:

Labcorp Genetics (formerly Invitae), Labcorp
Classification: Uncertain significance for Charcot-Marie-Tooth disease axonal type 2O. Last evaluated: 2022-08-21. Review status: criteria provided, single submitter. Criteria: Invitae Variant Classification Sherloc (09022015). Collection method: clinical testing. Allele origin: germline.
Comment: In summary, the available evidence is currently insufficient to determine the role of this variant in disease. Therefore, it has been classified as a Variant of Uncertain Significance. Advanced modeling of protein sequence and biophysical properties (such as structural, functional, and spatial information, amino acid conservation, physicochemical variation, residue mobility, and thermodynamic stability) performed at Invitae indicates that this missense variant is not expected to disrupt DYNC1H1 protein function. This missense change has been observed in individual(s) with clinical features of Charcot-Marie-Tooth disease (PMID: 32376792). This variant is present in population databases (no rsID available, gnomAD 0.0009%). This sequence change replaces asparagine, which is neutral and polar, with aspartic acid, which is acidic and polar, at codon 4579 of the DYNC1H1 protein (p.Asn4579Asp).

Literature cited by the submitters: PubMed 32376792.

NM_001376.5(DYNC1H1):c.13735A>G (p.Asn4579Asp)

Gene: DYNC1H1 (dynein cytoplasmic 1 heavy chain 1; plus strand). Cytogenetic location: 14q32.31.
Variant type: single nucleotide variant.
Coding change: c.13735A>G on transcript NM_001376.5 (MANE Select); coding-DNA position 13735, A replaced by G.
Protein change: p.Asn4579Asp; replaces asparagine 4579 with aspartic acid.
Molecular consequence: missense variant.
Genome position (GRCh38, 1-based): chr14:102,050,121, A>G. VCF-style: chr14-102050121-A-G. GRCh37 (hg19) VCF-style: chr14-102516458-A-G.
Other names: short protein forms N4579D.
Identifiers: ClinVar variation 2098855 (VCV002098855.4), dbSNP rs1441321381, ClinGen allele CA391051693.